The following is an entry in ClinVar:

NM_000455.5(STK11):c.890_907del (p.Arg297_Gln302del)

Gene: STK11 (serine/threonine kinase 11; plus strand). Cytogenetic location: 19p13.3.
Variant type: Deletion.
Coding change: c.890_907del on transcript NM_000455.5 (MANE Select); coding-DNA positions 890 to 907, 18 bases deleted (GGTTCTCCATCCGGCAGA).
Protein change: p.Arg297_Gln302del.
Molecular consequence: inframe deletion.
Genome position (GRCh38, 1-based): chr19:1,221,976-1,221,993, GGTTCTCCATCCGGCAGA deleted; deleting any 18 consecutive bases within chr19:1,221,973-1,221,993 gives the same sequence; the c. name uses the placement nearest the transcript's 3' end. VCF-style (leftmost placement, unchanged base first): chr19-1221972-AAGAGGTTCTCCATCCGGC-A. GRCh37 (hg19) VCF-style: chr19-1221971-AAGAGGTTCTCCATCCGGC-A.
Other names: c.890_907del18 (NM_000455.4).
Identifiers: ClinVar variation 428771 (VCV000428771.5), dbSNP rs1131690935, ClinGen allele CA645369740.
Genomic context (GRCh38, chr19:1,221,972, plus strand): 5'-TGCCCAGCTGACAGGCTCCTCGCCGGCTTCTCCTCAGGGATGCTTGAGTACGAACCGGCC[AAGAGGTTCTCCATCCGGC>A]AGATCCGGCAGCACAGGTGAGCGGCCCCTGGGGGCAGTGGGGCCGAGGCTGCAGGGAGGC-3'

ClinVar aggregate classification (germline): Likely pathogenic (1 of 4 stars; one submission).

Conditions:
Hereditary cancer-predisposing syndrome. Also called: Hereditary Cancer Syndrome; Neoplastic Syndromes, Hereditary; Hereditary neoplastic syndrome; Tumor predisposition. Identifiers: Orphanet 140162, MedGen C0027672, MeSH D009386, MONDO:0015356.

Submission:

Ambry Genetics
Classification: Likely pathogenic for Hereditary cancer-predisposing syndrome. Last evaluated: 2016-02-19. Review status: criteria provided, single submitter. Criteria: Ambry Variant Classification Scheme 2023. Collection method: clinical testing. Allele origin: germline.
Comment: The c.890_907del18 variant (also known as p.R297_Q302del) is located in coding exon 7 of the STK11 gene. This variant results from an in-frame deletion of 18 nucleotides (GGTTCTCCATCCGGCAGA) between nucleotide positions 890 and 907. This results in the deletion of 6 amino acid residues between codons 297 and 302. Other alterations occurring in this region have been shown to be pathogenic (Wang Z, Hum. Mutat. 2014 Jul; 35(7):851-8; Westerman AM, Hum. Mutat. 1999 ; 13(6):476-81), however this specific variant has not been reported in the literature to date. This variant was not reported in population based cohorts in the following databases: Database of Single Nucleotide Polymorphisms (dbSNP), NHLBI Exome Sequencing Project (ESP), and 1000 Genomes Project. In the ESP, this variant was not observed in 6026 samples (12052 alleles) with coverage at this position. To date, this alteration has been detected with an allele frequency of approximately 0.001% (greater than 125000 alleles tested) in our clinical cohort. The deleted amino acid positions are well conserved in available vertebrate species. In addition, this deletion is predicted to be highly deleterious by the PROVEAN in silico analysis tool (Choi Y, PLoS ONE 2012 ; 7(10):e46688). Based on the majority of available evidence to date, this variant is likely to be pathogenic.

Literature cited by the submitters: PubMed 10408777; PubMed 18687677; PubMed 19908348; PubMed 23056405; PubMed 23415580; PubMed 24652667; PubMed 9908348.